The following is an entry in ClinVar:

NM_017780.4(CHD7):c.1768A>G (p.Ile590Val)

Genes: CHD7 (chromodomain helicase DNA binding protein 7; plus strand), LOC126860403 (CDK7 strongly-dependent group 2 enhancer GRCh37_chr8:61693034-61694233; plus strand). Cytogenetic location: 8q12.2.
Variant type: single nucleotide variant.
Coding change: c.1768A>G on transcript NM_017780.4 (MANE Select); coding-DNA position 1768, A replaced by G.
Protein change: p.Ile590Val; replaces isoleucine 590 with valine.
Molecular consequence: missense variant. On other transcripts: intron variant (1).
Genome position (GRCh38, 1-based): chr8:60,781,102, A>G. VCF-style: chr8-60781102-A-G. GRCh37 (hg19) VCF-style: chr8-61693661-A-G.
Other names: c.1716+52A>G (NM_001316690.1); short protein forms I590V.
Identifiers: ClinVar variation 570279 (VCV000570279.36), dbSNP rs769625033, ClinGen allele CA4759567.
Genomic context (GRCh38, chr8:60,781,102, plus strand): 5'-ATGACTCAGGTTAGTGGACCGAATGCTCAGCTAGTGAAGAGTGATGATTACCTGCCATCA[A>G]TAGAACAGCAGCCACAACAAAAGAAGAAGAAAAAGAAAAACAACCACATTGTAGCAGAGG-3'
Protein context (NP_060250.2, residues 580-600): LVKSDDYLPS[Ile590Val]EQQPQQKKKK

ClinVar aggregate classification (germline): Conflicting classifications of pathogenicity. Review status: criteria provided, conflicting classifications (1 of 4 stars). 4 submissions from 4 submitters: Uncertain significance (1); Benign (1); Likely benign (2). Last evaluated 2025-11-15.

Conditions:
Hypogonadotropic hypogonadism 5 with or without anosmia (KAL5). Also called: HYPOGONADOTROPIC HYPOGONADISM 5 WITH ANOSMIA; HYPOGONADOTROPHIC HYPOGONADISM 5 WITHOUT ANOSMIA; CHD7-Related GnRH Deficiency (Kallmann Syndrome 5). Identifiers: Orphanet 478, MedGen C3552553, MONDO:0012880, OMIM 612370. Disease mechanism: loss of function.
CHARGE syndrome (CHARGE). Also called: Hittner Hirsch Kreh syndrome; Coloboma, heart anomaly, choanal atresia, retardation, genital and ear anomalies; CHARGE association; Hall-Hittner syndrome; CHARGE ASSOCIATION--COLOBOMA, HEART ANOMALY, CHOANAL ATRESIA, RETARDATION, GENITAL AND EAR ANOMALIES. Identifiers: Orphanet 138, MedGen C0265354, MONDO:0008965.
Inborn genetic diseases. Identifiers: MedGen C0950123, MeSH D030342.

Allele frequency attached by ClinVar (database versions not stated): gnomAD 0.00001; gnomAD exomes 0.00002 and 0.00003; ExAC 0.00005; TOPMed 0.00008.
gnomAD v4.1: 26 of 1,611,218 alleles (0.0016%); highest among the groups gnomAD compares: East Asian, 0.027%; no homozygotes.

Submissions (4):

Labcorp Genetics (formerly Invitae), Labcorp
Classification: Benign for CHARGE syndrome. Last evaluated: 2025-11-15. Review status: criteria provided, single submitter. Criteria: Invitae Variant Classification Sherloc (09022015). Collection method: clinical testing. Allele origin: germline.

Ambry Genetics
Classification: Likely benign for Inborn genetic diseases. Last evaluated: 2024-06-16. Review status: criteria provided, single submitter. Criteria: Ambry Variant Classification Scheme 2023. Collection method: clinical testing. Allele origin: germline.

CeGaT Center for Human Genetics Tuebingen
Classification: Likely benign. Last evaluated: 2023-08-01. Review status: criteria provided, single submitter. Criteria: CeGaT Center For Human Genetics Tuebingen Variant Classification Criteria Version 2. Collection method: clinical testing. Allele origin: germline. Affected: yes. Observed: 1 variant allele.
Comment: CHD7: BP4

Fulgent Genetics
Classification: Uncertain significance for CHD7-related CHARGE syndrome; Hypogonadotropic hypogonadism 5 with or without anosmia. Last evaluated: 2022-03-03. Review status: criteria provided, single submitter. Criteria: ACMG Guidelines, 2015. Collection method: clinical testing. Allele origin: unknown.